The following continues an entry in ClinVar:

NM_000051.4(ATM):c.5071A>C (p.Ser1691Arg)

Gene: ATM. ClinVar aggregate classification (germline): Conflicting classifications of pathogenicity. Uncertain significance (1); Benign (12); Likely benign (11).

Submissions 19 to 34 of 34:

Illumina Laboratory Services, Illumina
Classification: Uncertain significance for Ataxia-telangiectasia syndrome. Last evaluated: 2017-04-27. Review status: criteria provided, single submitter. Criteria: ICSL Variant Classification Criteria 13 December 2019. Collection method: clinical testing. Allele origin: germline.
Comment: This variant was observed as part of a predisposition screen in an ostensibly healthy population. A literature search was performed for the gene, cDNA change, and amino acid change (where applicable). Publications were found based on this search. However, the evidence from the literature, in combination with allele frequency data from public databases where available, was not sufficient to rule this variant in or out of causing disease. Therefore, this variant is classified as a variant of unknown significance.

PreventionGenetics, part of Exact Sciences
Classification: Likely benign. Last evaluated: 2016-12-12. Review status: criteria provided, single submitter. Criteria: ACMG Guidelines, 2015. Collection method: clinical testing. Allele origin: germline.

Eurofins Ntd Llc (ga)
Classification: Benign. Last evaluated: 2016-08-31. Review status: criteria provided, single submitter. Criteria: EGL Classification Definitions 2015. Collection method: clinical testing. Allele origin: germline. Observed: 1 variant allele, 1 heterozygote.

Clinical Genetics DNA and cytogenetics Diagnostics Lab, Erasmus MC, Erasmus Medical Center
Classification: Likely benign for Ataxia-telangiectasia syndrome. Last evaluated: 2016-04-21. Review status: criteria provided, single submitter. Criteria: ACGS Guidelines, 2013. Collection method: clinical testing. Allele origin: germline. Affected: yes. Study: VKGL Data-share Consensus.

Color Diagnostics, LLC DBA Color Health
Classification: Likely benign for Hereditary cancer-predisposing syndrome. Last evaluated: 2014-12-04. Review status: criteria provided, single submitter. Criteria: ACMG Guidelines, 2015. Collection method: clinical testing. Allele origin: germline.

Ambry Genetics
Classification: Benign for Hereditary cancer-predisposing syndrome. Last evaluated: 2014-06-23. Review status: criteria provided, single submitter. Criteria: Ambry Variant Classification Scheme 2023. Collection method: clinical testing. Allele origin: germline.

Natera, Inc.
Classification: Likely benign for Ataxia-telangiectasia. Last evaluated: 2019-12-09. Review status: no assertion criteria provided. Collection method: clinical testing. Allele origin: germline. Not counted in ClinVar's aggregate classification.

True Health Diagnostics
Classification: Likely benign for Hereditary cancer-predisposing syndrome. Last evaluated: 2017-11-14. Review status: no assertion criteria provided. Collection method: clinical testing. Allele origin: germline. Not counted in ClinVar's aggregate classification.

Genome Diagnostics Laboratory, Amsterdam University Medical Center
Classification: Likely benign for Ataxia-telangiectasia syndrome. Last evaluated: 2017-10-26. Review status: no assertion criteria provided. Criteria: ACGS Guidelines, 2013. Collection method: clinical testing. Allele origin: germline. Affected: yes. Study: VKGL Data-share Consensus. Not counted in ClinVar's aggregate classification.

Counsyl
Classification: Likely benign for Ataxia-telangiectasia syndrome. Last evaluated: 2017-07-26. Review status: no assertion criteria provided. Collection method: clinical testing. Allele origin: unknown. Not counted in ClinVar's aggregate classification.

ITMI
No classification provided. Condition: AllHighlyPenetrant. Last evaluated: 2013-09-19. Review status: no classification provided. Collection method: reference population. Allele origin: germline. Not counted in ClinVar's aggregate classification.
Comment: Please see associated publication for description of ethnicities

Clinical Genetics Laboratory, Department of Pathology, Netherlands Cancer Institute
Classification: Likely benign. Review status: no assertion criteria provided. Collection method: clinical testing. Allele origin: germline. Affected: yes. Study: VKGL Data-share Consensus. Not counted in ClinVar's aggregate classification.

Department of Pathology and Laboratory Medicine, Sinai Health System
Classification: Likely benign for Malignant tumor of breast. Review status: no assertion criteria provided. Collection method: clinical testing. Allele origin: unknown. Affected: yes. Study: The Canadian Open Genetics Repository (COGR). Not counted in ClinVar's aggregate classification.
Comment: The ATM p.Ser1691Arg variant was identified in 20 of 5886 proband chromosomes (frequency: 0.003) from American, Dutch and Lebanese individuals or families with breast cancer (high risk or familial or nonfamilial) or a history of Lynch syndrome associated cancer and/or polyps or individuals with unspecified cancer undergoing radiotherapy, and was identified in 4 of 3578 control chromosomes from healthy individuals (frequency: 0.001) (Petereit_2013_24416720, Broeks_2008_17393301, Jalkh_2017_28202063, Teraoka_2001_11505391, Bodian_2014_24728327, Yurgelun_2015_25980754 , Stredrick_2006_16652348). Functional studies using an expression construct to model ATM missense variants showed the variantâ€šÃ„Ã´s level of ATM protein expression and kinase activity was comparable to wildtype (Barone_2009_19431188). The variant was identified in dbSNP (ID: rs1800059) â€šÃ„ÃºWith other alleleâ€šÃ„Ã¹, ClinVar (classified benign by Invitae, Ambry Genetics, EGL Genetic Diagnostics (Eurofins Clinical Diagnostics), likely benign by GeneDx, ARUP and classification not provided by ITMI), Clinvitae (3x), Cosmic (seen 2x in a malignant melanoma, 1x in a haematopoietic neoplasm and 3x in a carcinoma of the large intestine), LOVD 3.0 (1x), and was not identified MutDB. The variant was also identified in control databases in 493 (3 homozygous) of 276958 chromosomes at a frequency of 0.002 increasing the likelihood this could be a low frequency benign variant (Genome Aggregation Database Feb 27, 2017). Observations by population include African in 13 of 24030 chromosomes (freq: 0.0005), â€šÃ„ÃºOtherâ€šÃ„Ã¹ in 12 of 6458 chromosomes (freq: 0.002), Latino in 24 of 34416 chromosomes (freq: 0.0007), European Non-Finnish in 372 (2 homozygous) of 126472 chromosomes (freq: 0.003), and European Finnish in 72 (1 homozygous) of 25790 chromosomes (freq: 0.003); it was not observed in the Ashkenazi Jewish, East Asian and South Asian populations. The p.Ser1691 residue is not conserved in mammals and four out of five computational analyses (PolyPhen-2, SIFT, AlignGVGD, BLOSUM, MutationTaster) do not suggest a high likelihood the variant Arg impacts the protein; however, this information is not predictive enough to rule out pathogenicity. The variant occurs outside of the splicing consensus sequence and in silico or computational prediction software programs (SpliceSiteFinder, MaxEntScan, NNSPLICE, GeneSplicer, HumanSpliceFinder) do not predict a difference in splicing. In summary, based on the above information the clinical significance of this variant cannot be determined with certainty at this time although we would lean towards a more benign role for this variant. This variant is classified as likely benign.

Diagnostic Laboratory, Department of Genetics, University Medical Center Groningen
Classification: Likely benign for Ataxia-telangiectasia syndrome. Review status: no assertion criteria provided. Collection method: clinical testing. Allele origin: germline. Affected: yes. Study: VKGL Data-share Consensus. Not counted in ClinVar's aggregate classification.

Joint Genome Diagnostic Labs from Nijmegen and Maastricht, Radboudumc and MUMC+
Classification: Likely benign. Review status: no assertion criteria provided. Collection method: clinical testing. Allele origin: germline. Affected: yes. Study: VKGL Data-share Consensus. Not counted in ClinVar's aggregate classification.

Laboratory of Diagnostic Genome Analysis, Leiden University Medical Center (LUMC)
Classification: Likely benign. Review status: no assertion criteria provided. Collection method: clinical testing. Allele origin: germline. Affected: yes. Study: VKGL Data-share Consensus. Not counted in ClinVar's aggregate classification.

Literature cited by the submitters: PubMed 19431188 (cited by 6 submitters); PubMed 24728327 (cited by 5 submitters); PubMed 17393301 (cited by 3 submitters); PubMed 11505391 (cited by Athena Diagnostics and Quest Diagnostics Nichols Institute San Juan Capistrano); PubMed 11606401 (cited by 3 submitters); PubMed 14754616 (cited by Athena Diagnostics and Quest Diagnostics Nichols Institute San Juan Capistrano); PubMed 16652348 (cited by 3 submitters); PubMed 8797579 (cited by 3 submitters); PubMed 9463314 (cited by 5 submitters); PubMed 9892178 (cited by 4 submitters); PubMed 36315919 (cited by Athena Diagnostics); PubMed 35047863 (cited by Athena Diagnostics); PubMed 35264596 (cited by Athena Diagnostics); PubMed 27153395 (cited by Athena Diagnostics and Quest Diagnostics Nichols Institute San Juan Capistrano); PubMed 28652578 (cited by Athena Diagnostics and Quest Diagnostics Nichols Institute San Juan Capistrano); PubMed 28767289 (cited by Athena Diagnostics and Quest Diagnostics Nichols Institute San Juan Capistrano); PubMed 25085752 (cited by Myriad Genetics, Inc.); PubMed 20305132 (cited by Women's Health and Genetics/Laboratory Corporation of America, LabCorp); PubMed 21933854 (cited by Women's Health and Genetics/Laboratory Corporation of America, LabCorp); PubMed 24416720 (cited by Women's Health and Genetics/Laboratory Corporation of America, LabCorp).